The following is an entry in ClinVar:

NM_001369369.1(FOXN1):c.1298T>G (p.Ile433Ser)

Gene: FOXN1 (forkhead box N1; plus strand). Cytogenetic location: 17q11.2.
Variant type: single nucleotide variant.
Coding change: c.1298T>G on transcript NM_001369369.1 (MANE Select); coding-DNA position 1298, T replaced by G.
Protein change: p.Ile433Ser; replaces isoleucine 433 with serine.
Molecular consequence: missense variant.
Genome position (GRCh38, 1-based): chr17:28,534,869, T>G. VCF-style: chr17-28534869-T-G. GRCh37 (hg19) VCF-style: chr17-26861887-T-G.
Other names: c.1298T>G, p.Ile433Ser (NM_003593.3); short protein forms I433S.
Identifiers: ClinVar variation 962844 (VCV000962844.5), dbSNP rs774493152, ClinGen allele CA8459497.

ClinVar aggregate classification (germline): Uncertain significance (1 of 4 stars; one submission).

Conditions:
T-cell immunodeficiency, congenital alopecia, and nail dystrophy. Also called: Congenital alopecia and nail dystrophy associated with severe functional T-cell immunodeficiency; Pignata Guarino syndrome. Identifiers: Orphanet 169095, MedGen C1866426, MONDO:0011132, OMIM 601705.

Allele frequency attached by ClinVar (database versions not stated): ExAC 0.00001; gnomAD exomes 0.00002; TOPMed 0.00002.
gnomAD v4.1: 6 of 1,613,852 alleles (0.00037%); highest among the groups gnomAD compares: East Asian, 0.013%; no homozygotes.

Submission:

Labcorp Genetics (formerly Invitae), Labcorp
Classification: Uncertain significance for T-cell immunodeficiency, congenital alopecia, and nail dystrophy. Last evaluated: 2024-02-24. Review status: criteria provided, single submitter. Criteria: Invitae Variant Classification Sherloc (09022015). Collection method: clinical testing. Allele origin: germline.
Comment: This sequence change replaces isoleucine, which is neutral and non-polar, with serine, which is neutral and polar, at codon 433 of the FOXN1 protein (p.Ile433Ser). This variant is present in population databases (rs774493152, gnomAD 0.03%). This variant has not been reported in the literature in individuals affected with FOXN1-related conditions. ClinVar contains an entry for this variant (Variation ID: 962844). Advanced modeling of protein sequence and biophysical properties (such as structural, functional, and spatial information, amino acid conservation, physicochemical variation, residue mobility, and thermodynamic stability) performed at Invitae indicates that this missense variant is not expected to disrupt FOXN1 protein function with a negative predictive value of 80%. In summary, the available evidence is currently insufficient to determine the role of this variant in disease. Therefore, it has been classified as a Variant of Uncertain Significance.